The following is an entry in ClinVar:

ClinVar aggregate classification (germline): Benign (0 of 4 stars; one submission).

Conditions:
AHNAK2-related disorder. Also called: AHNAK2-related condition.

Allele frequency attached by ClinVar (database versions not stated): 1000 Genomes Project 30x 0.01483; 1000 Genomes Project 0.01498; TOPMed 0.02892; gnomAD 0.03055; ESP Exome Variant Server 0.03620; gnomAD exomes 0.04167; ExAC 0.04800.
gnomAD v4.1: 64,798 of 1,601,564 alleles (4%); highest among the groups gnomAD compares: Non-Finnish European, 4.6%; 1,507 homozygotes.

Submission:

PreventionGenetics, part of Exact Sciences
Classification: Benign for AHNAK2-related condition. Last evaluated: 2020-02-04. Review status: no assertion criteria provided. Collection method: clinical testing. Allele origin: germline.
Comment: This variant is classified as benign based on ACMG/AMP sequence variant interpretation guidelines (Richards et al. 2015 PMID: 25741868, with internal and published modifications).

NM_138420.4(AHNAK2):c.151C>T (p.Arg51Trp)

Gene: AHNAK2 (AHNAK nucleoprotein 2; minus strand). Cytogenetic location: 14q32.33.
Variant type: single nucleotide variant.
Coding change: c.151C>T on transcript NM_138420.4 (MANE Select); coding-DNA position 151, C replaced by T.
Protein change: p.Arg51Trp; replaces arginine 51 with tryptophan.
Molecular consequence: missense variant. On other transcripts: 5 prime UTR variant (1).
Genome position (GRCh38, 1-based): chr14:104,957,472, G>A on the plus strand (C>T on the coding strand, the complement: AHNAK2 is on the minus strand). VCF-style: chr14-104957472-G-A. GRCh37 (hg19) VCF-style: chr14-105423809-G-A.
Other names: c.-150C>T (NM_001350929.2); short protein forms R51W.
Identifiers: ClinVar variation 3056031 (VCV003056031.2), dbSNP rs76650680, ClinGen allele CA7384145.